The following is an entry in ClinVar:

NM_152327.5(AK7):c.2060A>G (p.Tyr687Cys)

Gene: AK7 (adenylate kinase 7; plus strand). Cytogenetic location: 14q32.2.
Variant type: single nucleotide variant.
Coding change: c.2060A>G on transcript NM_152327.5 (MANE Select); coding-DNA position 2060, A replaced by G.
Protein change: p.Tyr687Cys; replaces tyrosine 687 with cysteine.
Molecular consequence: missense variant.
Genome position (GRCh38, 1-based): chr14:96,486,983, A>G. VCF-style: chr14-96486983-A-G. GRCh37 (hg19) VCF-style: chr14-96953320-A-G.
Other names: c.1991A>G, p.Tyr664Cys (NM_001350888.2, NM_001350890.2); c.1982A>G, p.Tyr661Cys (NM_001350891.2); c.1862A>G, p.Tyr621Cys (NM_001350892.2); short protein forms Y687C, Y621C, Y664C, Y661C.
Identifiers: ClinVar variation 2090139 (VCV002090139.4), dbSNP rs747492257, ClinGen allele CA7338045.

ClinVar aggregate classification (germline): Uncertain significance (1 of 4 stars; one submission).

Allele frequency attached by ClinVar (database versions not stated): TOPMed below 0.00001; ExAC 0.00001.
gnomAD v4.1: 2 of 1,614,168 alleles (0.00012%); highest among the groups gnomAD compares: East Asian, 0.0022%; no homozygotes.

Submission:

Labcorp Genetics (formerly Invitae), Labcorp
Classification: Uncertain significance. Last evaluated: 2022-11-08. Review status: criteria provided, single submitter. Criteria: Invitae Variant Classification Sherloc (09022015). Collection method: clinical testing. Allele origin: germline.
Comment: In summary, the available evidence is currently insufficient to determine the role of this variant in disease. Therefore, it has been classified as a Variant of Uncertain Significance. Advanced modeling of protein sequence and biophysical properties (such as structural, functional, and spatial information, amino acid conservation, physicochemical variation, residue mobility, and thermodynamic stability) performed at Invitae indicates that this missense variant is not expected to disrupt AK7 protein function. This variant has not been reported in the literature in individuals affected with AK7-related conditions. This variant is present in population databases (rs747492257, gnomAD 0.003%). This sequence change replaces tyrosine, which is neutral and polar, with cysteine, which is neutral and slightly polar, at codon 687 of the AK7 protein (p.Tyr687Cys).